The following is an entry in ClinVar:

NM_176787.5(PIGN):c.654T>G (p.His218Gln)

Gene: PIGN (phosphatidylinositol glycan anchor biosynthesis class N; minus strand). Cytogenetic location: 18q21.33.
Variant type: single nucleotide variant.
Coding change: c.654T>G on transcript NM_176787.5 (MANE Select); coding-DNA position 654, T replaced by G.
Protein change: p.His218Gln; replaces histidine 218 with glutamine.
Molecular consequence: missense variant.
Genome position (GRCh38, 1-based): chr18:62,148,234, A>C on the plus strand (T>G on the coding strand, the complement: PIGN is on the minus strand). VCF-style: chr18-62148234-A-C. GRCh37 (hg19) VCF-style: chr18-59815467-A-C.
Other names: c.654T>G, p.His218Gln (NM_012327.6); short protein forms H218Q.
Identifiers: ClinVar variation 539554 (VCV000539554.21), dbSNP rs1035743375, ClinGen allele CA301686018.

ClinVar aggregate classification (germline): Likely pathogenic. Review status: criteria provided, multiple submitters, no conflicts (2 of 4 stars). 6 submissions from 6 submitters: Likely pathogenic (6). Last evaluated 2025-12-21.

Conditions:
Multiple congenital anomalies-hypotonia-seizures syndrome 1 (MCAHS1). Also called: PIGN-CDG; Congenital disorder of glycosylation due to PIGN deficiency; GLYCOSYLPHOSPHATIDYLINOSITOL BIOSYNTHESIS DEFECT 3. Identifiers: Orphanet 280633, MedGen C3279775, MONDO:0013563, OMIM 614080.

Allele frequency attached by ClinVar (database versions not stated): TOPMed 0.00002.
gnomAD v4.1: 30 of 1,544,482 alleles (0.0019%); highest among the groups gnomAD compares: Non-Finnish European, 0.0025%; no homozygotes.

Submissions (6):

Labcorp Genetics (formerly Invitae), Labcorp
Classification: Likely pathogenic for Multiple congenital anomalies-hypotonia-seizures syndrome 1. Last evaluated: 2025-12-21. Review status: criteria provided, single submitter. Criteria: Invitae Variant Classification Sherloc (09022015). Collection method: clinical testing. Allele origin: germline.
Comment: This sequence change replaces histidine, which is basic and polar, with glutamine, which is neutral and polar, at codon 218 of the PIGN protein (p.His218Gln). This variant is present in population databases (no rsID available, gnomAD 0.007%). This missense change has been observed in individual(s) with clinical features of PIGN-congenital disorder of glycosylation (PMID: 351792, 30293990, 33619735, 34782754). In at least one individual the data is consistent with being in trans (on the opposite chromosome) from a pathogenic variant. ClinVar contains an entry for this variant (Variation ID: 539554). Invitae Evidence Modeling of protein sequence and biophysical properties (such as structural, functional, and spatial information, amino acid conservation, physicochemical variation, residue mobility, and thermodynamic stability) indicates that this missense variant is expected to disrupt PIGN protein function with a positive predictive value of 80%. In summary, the currently available evidence indicates that the variant is pathogenic, but additional data are needed to prove that conclusively. Therefore, this variant has been classified as Likely Pathogenic.

GeneDx
Classification: Likely pathogenic. Last evaluated: 2025-11-11. Review status: criteria provided, single submitter. Criteria: GeneDx Variant Classification Process June 2021. Collection method: clinical testing. Allele origin: germline. Affected: yes.
Comment: Reported with a second variant in the PIGN gene in a patient with epilepsy, developmental delay, and hypotonia in the published literature; however, segregation information was not provided (PMID: 35179230); Not observed at significant frequency in large population cohorts (gnomAD); In silico analysis supports that this missense variant has a deleterious effect on protein structure/function; This variant is associated with the following publications: (PMID: 30293990, 33619735, 35179230, 34782754)

Women's Health and Genetics/Laboratory Corporation of America, LabCorp
Classification: Likely pathogenic for Multiple congenital anomalies-hypotonia-seizures syndrome 1. Last evaluated: 2025-06-10. Review status: criteria provided, single submitter. Criteria: LabCorp Variant Classification Summary - May 2015. Collection method: clinical testing. Allele origin: germline.
Comment: Variant summary: PIGN c.654T>G (p.His218Gln) results in a non-conservative amino acid change located in the GPI ethanolamine phosphate transferase 1, N-terminal (IPR037671) of the encoded protein sequence. Algorithms developed to predict the effect of missense changes on protein structure and function all suggest that this variant is likely to be disruptive. The variant allele was found at a frequency of 2.5e-05 in 158460 control chromosomes. c.654T>G has been reported in the literature in individuals affected with Multiple Congenital Anomalies-Hypotonia Syndrome 1 (Bayat_2022, Denomm-Pichon_2022, Quinlan-Jones_2019, Brunet_2021). These data indicate that the variant is likely to be associated with disease. To our knowledge, no experimental evidence demonstrating an impact on protein function has been reported. The following publications have been ascertained in the context of this evaluation (PMID: 35179230, 33619735, 34782754, 30293990). ClinVar contains an entry for this variant (Variation ID: 539554). Based on the evidence outlined above, the variant was classified as likely pathogenic.

Fulgent Genetics
Classification: Likely pathogenic for Multiple congenital anomalies-hypotonia-seizures syndrome 1. Last evaluated: 2024-05-02. Review status: criteria provided, single submitter. Criteria: ACMG Guidelines, 2015. Collection method: clinical testing. Allele origin: germline.

Institute of Human Genetics Munich, TUM University Hospital
Classification: Likely pathogenic for Multiple congenital anomalies-hypotonia-seizures syndrome 1. Last evaluated: 2020-08-31. Review status: criteria provided, single submitter. Criteria: Classification criteria August 2017. Collection method: clinical testing. Allele origin: maternal. Inheritance: Autosomal recessive inheritance. Affected: yes. Observed: 1 variant allele.

Equipe Genetique des Anomalies du Developpement, Université de Bourgogne
Classification: Likely pathogenic for Multiple congenital anomalies-hypotonia-seizures syndrome 1. Review status: criteria provided, single submitter. Criteria: ACMG Guidelines, 2015. Collection method: clinical testing. Allele origin: paternal. Affected: yes.

Literature cited by the submitters: PubMed 351792 (cited by Labcorp Genetics (formerly Invitae), Labcorp); PubMed 30293990 (cited by Labcorp Genetics (formerly Invitae), Labcorp and Women's Health and Genetics/Laboratory Corporation of America, LabCorp); PubMed 33619735 (cited by Labcorp Genetics (formerly Invitae), Labcorp and Women's Health and Genetics/Laboratory Corporation of America, LabCorp); PubMed 34782754 (cited by 3 submitters); PubMed 35179230 (cited by Women's Health and Genetics/Laboratory Corporation of America, LabCorp).